The following is an entry in ClinVar:

NM_053025.4(MYLK):c.1112G>A (p.Arg371Lys)

Gene: MYLK (myosin light chain kinase; minus strand). Cytogenetic location: 3q21.1.
Variant type: single nucleotide variant.
Coding change: c.1112G>A on transcript NM_053025.4 (MANE Select); coding-DNA position 1112, G replaced by A.
Protein change: p.Arg371Lys; replaces arginine 371 with lysine.
Molecular consequence: missense variant.
Genome position (GRCh38, 1-based): chr3:123,733,884, C>T on the plus strand (G>A on the coding strand, the complement: MYLK is on the minus strand). VCF-style: chr3-123733884-C-T. GRCh37 (hg19) VCF-style: chr3-123452731-C-T.
Other names: c.584G>A, p.Arg195Lys (NM_001321309.2); c.1112G>A, p.Arg371Lys (NM_053026.4, NM_053027.4, NM_053028.4); short protein forms R371K, R195K.
Identifiers: ClinVar variation 4115058 (VCV004115058.2).

ClinVar aggregate classification (germline): Uncertain significance. Review status: criteria provided, multiple submitters, no conflicts (2 of 4 stars). 2 submissions from 2 submitters: Uncertain significance (2). Last evaluated 2025-08-03.

Conditions:
Familial thoracic aortic aneurysm and aortic dissection (TAAD). Also called: Thoracic aortic aneurysms and dissections. Identifiers: Orphanet 91387, MedGen C4707243, MONDO:0019625.
Aortic aneurysm, familial thoracic 7 (AAT7). Also called: AORTIC DISSECTION, FAMILIAL, WITH OR WITHOUT AORTIC ANEURYSM. Identifiers: MedGen C3151077, MONDO:0013418, OMIM 613780.

Submissions (2):

Ambry Genetics
Classification: Uncertain significance for Familial thoracic aortic aneurysm and aortic dissection. Last evaluated: 2025-08-03. Review status: criteria provided, single submitter. Criteria: Ambry Variant Classification Scheme 2023. Collection method: clinical testing. Allele origin: germline.
Comment: The p.R371K variant (also known as c.1112G>A), located in coding exon 7 of the MYLK gene, results from a G to A substitution at nucleotide position 1112. The arginine at codon 371 is replaced by lysine, an amino acid with highly similar properties. This amino acid position is conserved. In addition, this alteration is predicted to be tolerated by in silico analysis. Based on the available evidence, the clinical significance of this variant remains unclear.

Labcorp Genetics (formerly Invitae), Labcorp
Classification: Uncertain significance for Aortic aneurysm, familial thoracic 7. Last evaluated: 2025-07-29. Review status: criteria provided, single submitter. Criteria: Invitae Variant Classification Sherloc (09022015). Collection method: clinical testing. Allele origin: germline.
Comment: This sequence change replaces arginine, which is basic and polar, with lysine, which is basic and polar, at codon 371 of the MYLK protein (p.Arg371Lys). This variant is present in population databases (no rsID available, gnomAD 0.004%). This variant has not been reported in the literature in individuals affected with MYLK-related conditions. Invitae Evidence Modeling of protein sequence and biophysical properties (such as structural, functional, and spatial information, amino acid conservation, physicochemical variation, residue mobility, and thermodynamic stability) indicates that this missense variant is not expected to disrupt MYLK protein function with a negative predictive value of 95%. In summary, the available evidence is currently insufficient to determine the role of this variant in disease. Therefore, it has been classified as a Variant of Uncertain Significance.